The following is an entry in ClinVar:

ClinVar aggregate classification (germline): Uncertain significance. Review status: criteria provided, multiple submitters, no conflicts (2 of 4 stars). 5 submissions from 5 submitters: Uncertain significance (4). 1 of the submissions does not count toward it. Last evaluated 2025-05-19.

Conditions:
Inborn genetic diseases. Identifiers: MedGen C0950123, MeSH D030342.
Congenital disorder of glycosylation, type IIw. Identifiers: MedGen C5561986, MONDO:0030437, OMIM 619525.
Phosphate transport defect (GSD1C). Also called: GSD Ic; GLYCOGEN STORAGE DISEASE Ic. Identifiers: Orphanet 364, Orphanet 79259, MedGen C0342749, OMIM 232240.
Glucose-6-phosphate transport defect (GSD1B). Also called: GSD Ib; Glycogen Storage Disease Type Ib. Identifiers: Orphanet 364, Orphanet 79259, MedGen C0268146, MONDO:0009288, OMIM 232220.

Allele frequency attached by ClinVar (database versions not stated): gnomAD 0.00003 and 0.00004; ExAC 0.00004; gnomAD exomes 0.00004 and 0.00008; TOPMed 0.00006.

Submissions (5):

Mayo Clinic Laboratories, Mayo Clinic
Classification: Uncertain significance. Last evaluated: 2025-05-19. Review status: criteria provided, single submitter. Criteria: ACMG Guidelines, 2015. Collection method: clinical testing. Allele origin: germline. Observed: 1 variant allele.
Comment: BP4_moderate

Labcorp Genetics (formerly Invitae), Labcorp
Classification: Uncertain significance for Glucose-6-phosphate transport defect. Last evaluated: 2024-10-21. Review status: criteria provided, single submitter. Criteria: Invitae Variant Classification Sherloc (09022015). Collection method: clinical testing. Allele origin: germline.
Comment: This sequence change replaces isoleucine, which is neutral and non-polar, with valine, which is neutral and non-polar, at codon 387 of the SLC37A4 protein (p.Ile387Val). This variant is present in population databases (rs782480303, gnomAD 0.06%). This variant has not been reported in the literature in individuals affected with SLC37A4-related conditions. ClinVar contains an entry for this variant (Variation ID: 650831). Invitae Evidence Modeling of protein sequence and biophysical properties (such as structural, functional, and spatial information, amino acid conservation, physicochemical variation, residue mobility, and thermodynamic stability) indicates that this missense variant is not expected to disrupt SLC37A4 protein function with a negative predictive value of 80%. In summary, the available evidence is currently insufficient to determine the role of this variant in disease. Therefore, it has been classified as a Variant of Uncertain Significance.

Ambry Genetics
Classification: Uncertain significance for Inborn genetic diseases. Last evaluated: 2024-04-11. Review status: criteria provided, single submitter. Criteria: Ambry Variant Classification Scheme 2023. Collection method: clinical testing. Allele origin: germline.
Comment: The p.I387V variant (also known as c.1159A>G), located in coding exon 8 of the SLC37A4 gene, results from an A to G substitution at nucleotide position 1159. The isoleucine at codon 387 is replaced by valine, an amino acid with highly similar properties. This amino acid position is conserved. In addition, this alteration is predicted to be tolerated by in silico analysis. Since supporting evidence is limited at this time, the clinical significance of this alteration remains unclear.

Fulgent Genetics
Classification: Uncertain significance for Glucose-6-phosphate transport defect; Phosphate transport defect; Congenital disorder of glycosylation, type IIw. Last evaluated: 2022-02-23. Review status: criteria provided, single submitter. Criteria: ACMG Guidelines, 2015. Collection method: clinical testing. Allele origin: unknown.

Natera, Inc.
Classification: Uncertain significance for Glycogen storage disease type Ib. Last evaluated: 2020-02-21. Review status: no assertion criteria provided. Collection method: clinical testing. Allele origin: germline. Not counted in ClinVar's aggregate classification.

NM_001164277.2(SLC37A4):c.1159A>G (p.Ile387Val)

Gene: SLC37A4 (solute carrier family 37 member 4; minus strand). Cytogenetic location: 11q23.3.
Variant type: single nucleotide variant.
Coding change: c.1159A>G on transcript NM_001164277.2 (MANE Select); coding-DNA position 1159, A replaced by G.
Protein change: p.Ile387Val; replaces isoleucine 387 with valine.
Molecular consequence: missense variant.
Genome position (GRCh38, 1-based): chr11:119,025,041, T>C on the plus strand (A>G on the coding strand, the complement: SLC37A4 is on the minus strand). VCF-style: chr11-119025041-T-C. GRCh37 (hg19) VCF-style: chr11-118895751-T-C.
Other names: p.Ile387Val; c.1159A>G (NM_001467.5); c.1225A>G, p.Ile409Val (NM_001164278.2); c.940A>G, p.Ile314Val (NM_001164279.2); c.1159A>G, p.Ile387Val (NM_001164280.2, NM_001467.6); short protein forms I314V, I409V, I387V.
Identifiers: ClinVar variation 650831 (VCV000650831.14), dbSNP rs782480303, ClinGen allele CA6311603.
Genomic context (GRCh38, chr11:119,025,041, plus strand): 5'-TGGCCGCACAAATCACTTCAGCCACCCAGAAGGCTGTGCTCCAACTGTAGTGCTTGGCAA[T>C]GGTGCTGAAGGGCAGCCCAGCCAGAAAGCCGCCCACTGTCAGGGGGAAAGGGAAGAACCT-3'
Protein context (NP_001157749.1, residues 377-397): GFLAGLPFST[Ile387Val]AKHYSWSTAF